The following is an entry in ClinVar:

NM_001160372.4(TRAPPC9):c.2902G>A (p.Glu968Lys)

Gene: TRAPPC9 (trafficking protein particle complex subunit 9; minus strand). Cytogenetic location: 8q24.3.
Variant type: single nucleotide variant.
Coding change: c.2902G>A on transcript NM_001160372.4 (MANE Select); coding-DNA position 2902, G replaced by A.
Protein change: p.Glu968Lys; replaces glutamic acid 968 with lysine.
Molecular consequence: missense variant. On other transcripts: non-coding transcript variant (1).
Genome position (GRCh38, 1-based): chr8:139,910,209, C>T on the plus strand (G>A on the coding strand, the complement: TRAPPC9 is on the minus strand). VCF-style: chr8-139910209-C-T. GRCh37 (hg19) VCF-style: chr8-140922453-C-T.
Other names: c.2875G>A, p.Glu959Lys (NM_001321646.2); c.2923G>A, p.Glu975Lys (NM_001374682.1); c.2791G>A, p.Glu931Lys (NM_001374683.1); c.2758G>A, p.Glu920Lys (NM_001374684.1); c.2902G>A, p.Glu968Lys (NM_031466.8); c.3196G>A (NM_031466.5); short protein forms E920K, E968K, E931K, E959K, E975K.
Identifiers: ClinVar variation 1356479 (VCV001356479.4), dbSNP rs777749463, ClinGen allele CA4892885.

ClinVar aggregate classification (germline): Uncertain significance. Review status: criteria provided, multiple submitters, no conflicts (2 of 4 stars). 2 submissions from 2 submitters: Uncertain significance (2). Last evaluated 2024-08-06.

Conditions:
Inborn genetic diseases. Identifiers: MedGen C0950123, MeSH D030342.

Allele frequency attached by ClinVar (database versions not stated): ExAC 0.00001; gnomAD 0.00001; TOPMed 0.00002; gnomAD exomes 0.00002.
gnomAD v4.1: 30 of 1,614,084 alleles (0.0019%); highest among the groups gnomAD compares: Admixed American, 0.0083%; no homozygotes.

Submissions (2):

Ambry Genetics
Classification: Uncertain significance for Inborn genetic diseases. Last evaluated: 2024-08-06. Review status: criteria provided, single submitter. Criteria: Ambry Variant Classification Scheme 2023. Collection method: clinical testing. Allele origin: germline.

Labcorp Genetics (formerly Invitae), Labcorp
Classification: Uncertain significance. Last evaluated: 2021-12-09. Review status: criteria provided, single submitter. Criteria: Invitae Variant Classification Sherloc (09022015). Collection method: clinical testing. Allele origin: germline.
Comment: This sequence change replaces glutamic acid, which is acidic and polar, with lysine, which is basic and polar, at codon 1066 of the TRAPPC9 protein (p.Glu1066Lys). This variant is present in population databases (rs777749463, gnomAD 0.006%). This variant has not been reported in the literature in individuals affected with TRAPPC9-related conditions. Algorithms developed to predict the effect of missense changes on protein structure and function are either unavailable or do not agree on the potential impact of this missense change (SIFT: "Not Available"; PolyPhen-2: "Probably Damaging"; Align-GVGD: "Not Available"). In summary, the available evidence is currently insufficient to determine the role of this variant in disease. Therefore, it has been classified as a Variant of Uncertain Significance.